The following is an entry in ClinVar:

ClinVar aggregate classification (germline): Pathogenic (1 of 4 stars; one submission).

Conditions:
Developmental and epileptic encephalopathy, 33 (DEE33). Also called: Epileptic encephalopathy, early infantile, 33. Identifiers: Orphanet 442835, MedGen C4225337, MONDO:0014625, OMIM 616409.

Submission:

Labcorp Genetics (formerly Invitae), Labcorp
Classification: Pathogenic for Developmental and epileptic encephalopathy, 33. Last evaluated: 2021-11-08. Review status: criteria provided, single submitter. Criteria: Invitae Variant Classification Sherloc (09022015). Collection method: clinical testing. Allele origin: germline.
Comment: For these reasons, this variant has been classified as Pathogenic. Advanced modeling of protein sequence and biophysical properties (such as structural, functional, and spatial information, amino acid conservation, physicochemical variation, residue mobility, and thermodynamic stability) performed at Invitae indicates that this missense variant is expected to disrupt EEF1A2 protein function. ClinVar contains an entry for this variant (Variation ID: 1018904). This missense change has been observed in individual(s) with clinical features of epileptic encephalopathy (PMID: 26740508; Invitae). In at least one individual the variant was observed to be de novo. This variant is not present in population databases (gnomAD no frequency). This sequence change replaces alanine, which is neutral and non-polar, with threonine, which is neutral and polar, at codon 92 of the EEF1A2 protein (p.Ala92Thr).

Literature cited by the submitters: PubMed 26740508.

NM_001958.5(EEF1A2):c.274G>A (p.Ala92Thr)

Gene: EEF1A2 (eukaryotic translation elongation factor 1 alpha 2; minus strand). Cytogenetic location: 20q13.33.
Variant type: single nucleotide variant.
Coding change: c.274G>A on transcript NM_001958.5 (MANE Select); coding-DNA position 274, G replaced by A.
Protein change: p.Ala92Thr; replaces alanine 92 with threonine.
Molecular consequence: missense variant.
Genome position (GRCh38, 1-based): chr20:63,495,906, C>T on the plus strand (G>A on the coding strand, the complement: EEF1A2 is on the minus strand). VCF-style: chr20-63495906-C-T. GRCh37 (hg19) VCF-style: chr20-62127259-C-T.
Other names: short protein forms A92T.
Identifiers: ClinVar variation 1018904 (VCV001018904.7), dbSNP rs2082414178, ClinGen allele CA409651354.